The following is an entry in ClinVar:

NM_001080.3(ALDH5A1):c.1191T>G (p.Asn397Lys)

Gene: ALDH5A1 (aldehyde dehydrogenase 5 family member A1; plus strand). Cytogenetic location: 6p22.3.
Variant type: single nucleotide variant.
Coding change: c.1191T>G on transcript NM_001080.3 (MANE Select); coding-DNA position 1191, T replaced by G.
Protein change: p.Asn397Lys; replaces asparagine 397 with lysine.
Molecular consequence: missense variant.
Genome position (GRCh38, 1-based): chr6:24,528,014, T>G. VCF-style: chr6-24528014-T-G. GRCh37 (hg19) VCF-style: chr6-24528242-T-G.
Other names: c.1047T>G, p.Asn349Lys (NM_001368954.1); c.1230T>G, p.Asn410Lys (NM_170740.1); short protein forms N349K, N397K, N410K.
Identifiers: ClinVar variation 863080 (VCV000863080.7), dbSNP rs923140210, ClinGen allele CA136139251.

ClinVar aggregate classification (germline): Uncertain significance (1 of 4 stars; one submission).

Conditions:
Succinate-semialdehyde dehydrogenase deficiency (SSADHD). Also called: 4-HYDROXYBUTYRIC ACIDURIA; SSADH DEFICIENCY; Succinic Semialdehyde Dehydrogenase Deficiency; GABA METABOLIC DEFECT. Identifiers: Orphanet 22, MedGen C0268631, MONDO:0010083, OMIM 271980.

Allele frequency attached by ClinVar (database versions not stated): gnomAD exomes below 0.00001 and 0.00001; gnomAD 0.00001; TOPMed 0.00001.
gnomAD v4.1: 15 of 1,614,016 alleles (0.00093%); highest among the groups gnomAD compares: Non-Finnish European, 0.0012%; no homozygotes.

Submission:

Labcorp Genetics (formerly Invitae), Labcorp
Classification: Uncertain significance for Succinate-semialdehyde dehydrogenase deficiency. Last evaluated: 2025-05-28. Review status: criteria provided, single submitter. Criteria: Invitae Variant Classification Sherloc (09022015). Collection method: clinical testing. Allele origin: germline.
Comment: This sequence change replaces asparagine, which is neutral and polar, with lysine, which is basic and polar, at codon 397 of the ALDH5A1 protein (p.Asn397Lys). This variant is present in population databases (no rsID available, gnomAD 0.0009%). This variant has not been reported in the literature in individuals affected with ALDH5A1-related conditions. ClinVar contains an entry for this variant (Variation ID: 863080). Invitae Evidence Modeling of protein sequence and biophysical properties (such as structural, functional, and spatial information, amino acid conservation, physicochemical variation, residue mobility, and thermodynamic stability) indicates that this missense variant is not expected to disrupt ALDH5A1 protein function with a negative predictive value of 80%. In summary, the available evidence is currently insufficient to determine the role of this variant in disease. Therefore, it has been classified as a Variant of Uncertain Significance.